The following is an entry in ClinVar:

ClinVar aggregate classification (germline): Likely pathogenic (1 of 4 stars; one submission).

Conditions:
Inborn genetic diseases. Identifiers: MedGen C0950123, MeSH D030342.

Submission:

Ambry Genetics
Classification: Likely pathogenic for Inborn genetic diseases. Last evaluated: 2025-06-18. Review status: criteria provided, single submitter. Criteria: Ambry Variant Classification Scheme 2023. Collection method: clinical testing. Allele origin: germline.
Comment: The c.883+1G>A intronic variant results from a G to A substitution one nucleotide after coding exon 7 of the ERBB4 gene. Alterations that disrupt the canonical splice site are expected to cause aberrant splicing, resulting in an abnormal protein or a transcript that is subject to nonsense-mediated mRNA decay. This variant was not reported in population-based cohorts in the Genome Aggregation Database (gnomAD). This nucleotide position is highly conserved in available vertebrate species. In silico splice site analysis predicts that this alteration will weaken the native splice donor site. Based on the available evidence, this alteration is classified as likely pathogenic.

NM_005235.3(ERBB4):c.883+1G>A

Gene: ERBB4 (erb-b2 receptor tyrosine kinase 4; minus strand). Cytogenetic location: 2q34.
Variant type: single nucleotide variant.
Coding change: c.883+1G>A on transcript NM_005235.3 (MANE Select); the canonical splice donor site of the intron after coding-DNA position 883, G replaced by A.
Molecular consequence: splice donor variant.
Genome position (GRCh38, 1-based): chr2:211,722,392, C>T on the plus strand (G>A on the coding strand, the complement: ERBB4 is on the minus strand). VCF-style: chr2-211722392-C-T. GRCh37 (hg19) VCF-style: chr2-212587117-C-T.
Other names: c.883+1G>A (NM_001042599.2, NM_001439006.1, NM_001439005.1).
Identifiers: ClinVar variation 4250421 (VCV004250421.1).
Genomic context (GRCh38, chr2:211,722,392, plus strand): 5'-AAATTCTTTTGATTTCAAATAATGACCTAATTAATTTGGTTATTCTTATTCTGTTACTTA[C>T]GTGGACATTTCTTGACACAGAATGCTCCATATGTGTACTTTGCATTGAAATTGTGCTCCA-3'